The following is an entry in ClinVar:

NM_033026.6(PCLO):c.3131T>C (p.Val1044Ala)

Gene: PCLO (piccolo presynaptic cytomatrix protein; minus strand). Cytogenetic location: 7q21.11.
Variant type: single nucleotide variant.
Coding change: c.3131T>C on transcript NM_033026.6 (MANE Select); coding-DNA position 3131, T replaced by C.
Protein change: p.Val1044Ala; replaces valine 1044 with alanine.
Molecular consequence: missense variant.
Genome position (GRCh38, 1-based): chr7:83,134,419, A>G on the plus strand (T>C on the coding strand, the complement: PCLO is on the minus strand). VCF-style: chr7-83134419-A-G. GRCh37 (hg19) VCF-style: chr7-82763735-A-G.
Other names: c.3131T>C, p.Val1044Ala (NM_014510.3); short protein forms V1044A.
Identifiers: ClinVar variation 1407941 (VCV001407941.6), dbSNP rs2116613859, ClinGen allele CA367897361.
Genomic context (GRCh38, chr7:83,134,419, plus strand): 5'-GTTTTGCAGAGAGGACAGGTTGATTCTGGTTTGGGCGATTTCTCCAGTTTTGTGGGAAGG[A>G]CAGCCTTTTGAGGCTCAGCTGTTAAAGATTTGCTATCCTTAATAGGTGGTGGCTTTTTTT-3'
Protein context (NP_149015.2, residues 1034-1054): KSLTAEPQKA[Val1044Ala]LPTKLEKSPK

ClinVar aggregate classification (germline): Uncertain significance (1 of 4 stars; one submission).

Submission:

Labcorp Genetics (formerly Invitae), Labcorp
Classification: Uncertain significance. Last evaluated: 2021-07-28. Review status: criteria provided, single submitter. Criteria: Invitae Variant Classification Sherloc (09022015). Collection method: clinical testing. Allele origin: germline.
Comment: This variant has not been reported in the literature in individuals affected with PCLO-related conditions. In summary, the available evidence is currently insufficient to determine the role of this variant in disease. Therefore, it has been classified as a Variant of Uncertain Significance. Algorithms developed to predict the effect of missense changes on protein structure and function output the following: SIFT: "Tolerated"; PolyPhen-2: "Not Available"; Align-GVGD: "Class C0". The alanine amino acid residue is found in multiple mammalian species, which suggests that this missense change does not adversely affect protein function. This variant is not present in population databases (ExAC no frequency). This sequence change replaces valine with alanine at codon 1044 of the PCLO protein (p.Val1044Ala). The valine residue is weakly conserved and there is a small physicochemical difference between valine and alanine.